The following is an entry in ClinVar:

ClinVar aggregate classification (germline): Uncertain significance. Review status: criteria provided, multiple submitters, no conflicts (2 of 4 stars). 4 submissions from 4 submitters: Uncertain significance (4). Last evaluated 2025-11-18.

Conditions:
Hereditary cancer-predisposing syndrome. Also called: Hereditary Cancer Syndrome; Hereditary neoplastic syndrome; Neoplastic Syndromes, Hereditary; Tumor predisposition. Identifiers: Orphanet 140162, MedGen C0027672, MeSH D009386, MONDO:0015356.

Allele frequency attached by ClinVar (database versions not stated): gnomAD exomes below 0.00001; gnomAD 0.00001; TOPMed 0.00002.
gnomAD v4.1: 6 of 1,612,102 alleles (0.00037%); highest among the groups gnomAD compares: Admixed American, 0.0067%; no homozygotes.

Submissions (4):

Labcorp Genetics (formerly Invitae), Labcorp
Classification: Uncertain significance. Last evaluated: 2025-11-18. Review status: criteria provided, single submitter. Criteria: Invitae Variant Classification Sherloc (09022015). Collection method: clinical testing. Allele origin: germline.
Comment: This sequence change replaces serine, which is neutral and polar, with leucine, which is neutral and non-polar, at codon 692 of the POLE protein (p.Ser692Leu). This variant is not present in population databases (gnomAD no frequency). This variant has not been reported in the literature in individuals affected with POLE-related conditions. ClinVar contains an entry for this variant (Variation ID: 405584). Invitae Evidence Modeling of protein sequence and biophysical properties (such as structural, functional, and spatial information, amino acid conservation, physicochemical variation, residue mobility, and thermodynamic stability) indicates that this missense variant is not expected to disrupt POLE protein function with a negative predictive value of 80%. In summary, the available evidence is currently insufficient to determine the role of this variant in disease. Therefore, it has been classified as a Variant of Uncertain Significance.

Ambry Genetics
Classification: Uncertain significance for Hereditary cancer-predisposing syndrome. Last evaluated: 2025-02-27. Review status: criteria provided, single submitter. Criteria: Ambry Variant Classification Scheme 2023. Collection method: clinical testing. Allele origin: germline.
Comment: The p.S692L variant (also known as c.2075C>T), located in coding exon 19 of the POLE gene, results from a C to T substitution at nucleotide position 2075. The serine at codon 692 is replaced by leucine, an amino acid with dissimilar properties. This amino acid position is conserved. In addition, the in silico prediction for this alteration is inconclusive. Based on the available evidence, the clinical significance of this variant remains unclear.

GeneDx
Classification: Uncertain significance. Last evaluated: 2019-11-12. Review status: criteria provided, single submitter. Criteria: GeneDx Variant Classification Process June 2021. Collection method: clinical testing. Allele origin: germline. Affected: yes.
Comment: Not observed in large population cohorts (Lek 2016); In silico analysis, which includes protein predictors and evolutionary conservation, supports a deleterious effect; Has not been previously published as pathogenic or benign to our knowledge

Quest Diagnostics Nichols Institute San Juan Capistrano
Classification: Uncertain significance. Last evaluated: 2019-09-04. Review status: criteria provided, single submitter. Criteria: Quest Diagnostics criteria. Collection method: clinical testing. Allele origin: unknown.

NM_006231.4(POLE):c.2075C>T (p.Ser692Leu)

Gene: POLE (DNA polymerase epsilon, catalytic subunit; minus strand). Cytogenetic location: 12q24.33.
Variant type: single nucleotide variant.
Coding change: c.2075C>T on transcript NM_006231.4 (MANE Select); coding-DNA position 2075, C replaced by T.
Protein change: p.Ser692Leu; replaces serine 692 with leucine.
Molecular consequence: missense variant.
Genome position (GRCh38, 1-based): chr12:132,668,454, G>A on the plus strand (C>T on the coding strand, the complement: POLE is on the minus strand). VCF-style: chr12-132668454-G-A. GRCh37 (hg19) VCF-style: chr12-133245040-G-A.
Other names: c.2075C>T (NM_006231.2); short protein forms S692L.
Identifiers: ClinVar variation 405584 (VCV000405584.15), dbSNP rs1060500776, ClinGen allele CA16613623.